The following is an entry in ClinVar:

ClinVar aggregate classification (germline): Conflicting classifications of pathogenicity. Review status: criteria provided, conflicting classifications (1 of 4 stars). 8 submissions from 8 submitters: Uncertain significance (1); Likely benign (2). 5 of the submissions do not count toward it. Last evaluated 2026-01-27.

Conditions:
Pituitary adenoma, growth hormone-secreting, 2 (PITA2). Also called: ACROMEGALY DUE TO PITUITARY ADENOMA 2; ACROMEGALY, X-LINKED; Pituitary adenoma 2, GH-secreting. Identifiers: Orphanet 963, MedGen C4012409, MONDO:0010492, OMIM 300943.
GPR101-related disorder. Also called: GPR101-related condition.

Allele frequency attached by ClinVar (database versions not stated): 1000 Genomes Project 30x 0.00062; TOPMed 0.00362.

Submissions (8):

Labcorp Genetics (formerly Invitae), Labcorp
Classification: Likely benign. Last evaluated: 2026-01-27. Review status: criteria provided, single submitter. Criteria: Invitae Variant Classification Sherloc (09022015). Collection method: clinical testing. Allele origin: germline.

Blueprint Genetics
Classification: Likely benign. Last evaluated: 2024-11-26. Review status: criteria provided, single submitter. Criteria: ACMG Guidelines, 2015. Collection method: clinical testing. Allele origin: germline.

Mendelics
Classification: Uncertain significance for Pituitary adenoma, growth hormone-secreting, 2. Last evaluated: 2019-05-28. Review status: criteria provided, single submitter. Criteria: Mendelics Assertion Criteria 2017. Collection method: clinical testing. Allele origin: unknown.

PreventionGenetics, part of Exact Sciences
Classification: Likely benign for GPR101-related condition. Last evaluated: 2020-03-03. Review status: no assertion criteria provided. Collection method: clinical testing. Allele origin: germline. Not counted in ClinVar's aggregate classification.
Comment: This variant is classified as likely benign based on ACMG/AMP sequence variant interpretation guidelines (Richards et al. 2015 PMID: 25741868, with internal and published modifications).

OMIM
Classification: Pathogenic for PITUITARY ADENOMA 2, GROWTH HORMONE-SECRETING. Last evaluated: 2015-03-26. Review status: no assertion criteria provided. Collection method: literature only. Allele origin: unknown. Not counted in ClinVar's aggregate classification.

Clinical Genetics DNA and cytogenetics Diagnostics Lab, Erasmus MC, Erasmus Medical Center
Classification: Likely benign. Review status: no assertion criteria provided. Collection method: clinical testing. Allele origin: germline. Affected: yes. Study: VKGL Data-share Consensus. Not counted in ClinVar's aggregate classification.

GeneReviews
No classification provided. Condition: Pituitary adenoma, growth hormone-secreting, 2. Review status: no classification provided. Collection method: literature only. Allele origin: germline. Not counted in ClinVar's aggregate classification.

Laboratory of Diagnostic Genome Analysis, Leiden University Medical Center (LUMC)
Classification: Likely benign. Review status: no assertion criteria provided. Collection method: clinical testing. Allele origin: germline. Affected: yes. Study: VKGL Data-share Consensus. Not counted in ClinVar's aggregate classification.

Literature cited by the submitters: PubMed 25470569 (cited by OMIM and GeneReviews); PubMed 25806921 (cited by OMIM); PubMed 25806919 (cited by OMIM); PubMed 27245663 (cited by OMIM and GeneReviews); PubMed 26792934 (cited by GeneReviews); PubMed 26815903 (cited by GeneReviews); PubMed 27498687 (cited by GeneReviews); PubMed 29389097 (cited by GeneReviews).

NM_054021.2(GPR101):c.924G>C (p.Glu308Asp)

Gene: GPR101 (G protein-coupled receptor 101; minus strand). Cytogenetic location: Xq26.3.
Variant type: single nucleotide variant.
Coding change: c.924G>C on transcript NM_054021.2 (MANE Select); coding-DNA position 924, G replaced by C.
Protein change: p.Glu308Asp; replaces glutamic acid 308 with aspartic acid.
Molecular consequence: missense variant.
Genome position (GRCh38, 1-based): chrX:137,030,751, C>G on the plus strand (G>C on the coding strand, the complement: GPR101 is on the minus strand). VCF-style: chrX-137030751-C-G. GRCh37 (hg19) VCF-style: chrX-136112910-C-G.
Other names: GPR101, GLU308ASP (rs73637412); short protein forms E308D.
Identifiers: ClinVar variation 167871 (VCV000167871.18), dbSNP rs73637412, ClinGen allele CA180516.
Genomic context (GRCh38, chrX:137,030,751, plus strand): 5'-CTCAACTTTGGTGCTGCCTTCCTTACCCTCCATGCTGCCGTCGCTGGCCACCGTGCTGCT[C>G]TCTCTGACCTCCTCGCTGCCCCTGGCCTCTACACTACTCTCACTGGTCCCCGTGCTTCCT-3'
Protein context (NP_473362.1, residues 298-318): VEARGSEEVR[Glu308Asp]SSTVASDGSM